The following is an entry in ClinVar:

ClinVar aggregate classification (germline): Uncertain significance. Review status: criteria provided, multiple submitters, no conflicts (2 of 4 stars). 2 submissions from 2 submitters: Uncertain significance (2). Last evaluated 2024-05-09.

Conditions:
Hereditary cancer-predisposing syndrome. Also called: Hereditary Cancer Syndrome; Tumor predisposition; Neoplastic Syndromes, Hereditary; Hereditary neoplastic syndrome. Identifiers: Orphanet 140162, MedGen C0027672, MeSH D009386, MONDO:0015356.
Gorlin syndrome. Also called: Nevoid Basal Cell Carcinoma Syndrome; Basal cell nevus syndrome. Identifiers: Orphanet 377, MedGen C0004779, MONDO:0007187.

Submissions (2):

Labcorp Genetics (formerly Invitae), Labcorp
Classification: Uncertain significance for Gorlin syndrome. Last evaluated: 2024-05-09. Review status: criteria provided, single submitter. Criteria: Invitae Variant Classification Sherloc (09022015). Collection method: clinical testing. Allele origin: germline.
Comment: This sequence change replaces glycine, which is neutral and non-polar, with glutamic acid, which is acidic and polar, at codon 1296 of the PTCH1 protein (p.Gly1296Glu). This variant is not present in population databases (gnomAD no frequency). This variant has not been reported in the literature in individuals affected with PTCH1-related conditions. Advanced modeling of protein sequence and biophysical properties (such as structural, functional, and spatial information, amino acid conservation, physicochemical variation, residue mobility, and thermodynamic stability) performed at Invitae indicates that this missense variant is not expected to disrupt PTCH1 protein function with a negative predictive value of 95%. In summary, the available evidence is currently insufficient to determine the role of this variant in disease. Therefore, it has been classified as a Variant of Uncertain Significance.

Ambry Genetics
Classification: Uncertain significance for Hereditary cancer-predisposing syndrome. Last evaluated: 2024-02-02. Review status: criteria provided, single submitter. Criteria: Ambry Variant Classification Scheme 2023. Collection method: clinical testing. Allele origin: germline.
Comment: The p.G1296E variant (also known as c.3887G>A), located in coding exon 23 of the PTCH1 gene, results from a G to A substitution at nucleotide position 3887. The glycine at codon 1296 is replaced by glutamic acid, an amino acid with similar properties. This amino acid position is conserved. In addition, the in silico prediction for this alteration is inconclusive. Based on the available evidence, the clinical significance of this alteration remains unclear.

NM_000264.5(PTCH1):c.3887G>A (p.Gly1296Glu)

Gene: PTCH1 (patched 1; minus strand). Cytogenetic location: 9q22.32.
Variant type: single nucleotide variant.
Coding change: c.3887G>A on transcript NM_000264.5 (MANE Select); coding-DNA position 3887, G replaced by A.
Protein change: p.Gly1296Glu; replaces glycine 1296 with glutamic acid.
Molecular consequence: missense variant. On other transcripts: non-coding transcript variant (1).
Genome position (GRCh38, 1-based): chr9:95,447,369, C>T on the plus strand (G>A on the coding strand, the complement: PTCH1 is on the minus strand). VCF-style: chr9-95447369-C-T. GRCh37 (hg19) VCF-style: chr9-98209651-C-T.
Other names: c.3689G>A, p.Gly1230Glu (NM_001083602.3); c.3884G>A, p.Gly1295Glu (NM_001083603.3); c.3434G>A, p.Gly1145Glu (NM_001083604.3, NM_001083605.3, NM_001083606.3 and 1 more transcripts); c.3731G>A, p.Gly1244Glu (NM_001354918.2); short protein forms G1145E, G1230E, G1244E, G1295E, G1296E.
Identifiers: ClinVar variation 3231031 (VCV003231031.3), dbSNP rs2136583024, ClinGen allele CA374110722.